The following is an entry in ClinVar:

ClinVar aggregate classification (germline): Pathogenic (0 of 4 stars; one submission).

Conditions:
Tibia, hypoplasia or aplasia of, with polydactyly (THYP). Also called: Polydactyly with absent tibia; TIBIAL HEMIMELIA-POLYDACTYLY-TRIPHALANGEAL THUMBS WITH FIBULAR DIMELIA; Mesomelic Dysplasia, Werner Type; Werner mesomelic syndrome. Identifiers: Orphanet 3332, Orphanet 988, MedGen C1861098, MONDO:0008572, OMIM 188740.

Submission:

OMIM
Classification: Pathogenic for TIBIA, HYPOPLASIA OR APLASIA OF, WITH POLYDACTYLY. Last evaluated: 2014-08-01. Review status: no assertion criteria provided. Collection method: literature only. Allele origin: germline.

Literature cited by the submitters: PubMed 9950363; PubMed 12837695; PubMed 19847792; PubMed 18156157; PubMed 24965254.

NM_022458.4(LMBR1):c.423+4917G>A

Genes: ZRS (ZPA regulatory sequence; plus strand), LMBR1 (limb development membrane protein 1; minus strand). Cytogenetic location: 7q36.3.
Variant type: single nucleotide variant.
Coding change: c.423+4917G>A on transcript NM_022458.4 (MANE Select); 4917 bases into the intron after coding-DNA position 423, G replaced by A.
Molecular consequence: intron variant.
Genome position (GRCh38, 1-based): chr7:156,791,472, C>T on the plus strand (G>A on the coding strand, the complement: LMBR1 is on the minus strand). VCF-style: chr7-156791472-C-T. GRCh37 (hg19) VCF-style: chr7-156584166-C-T.
Other names: 404G-A; c.360+4917G>A (NM_001363412.2); c.144+4917G>A (NM_001350954.2); c.423+4917G>A (NM_001363410.2, NM_001363409.2, NM_001350953.2); c.-112+4917G>A (NM_001350958.2, NM_001350956.2, NM_001350955.2 and 1 more transcripts); c.54+4917G>A (NM_001350957.2, NM_001363411.2).
Identifiers: ClinVar variation 4898 (VCV000004898.5), dbSNP rs606231147, ClinGen allele CA117132.